The following is an entry in ClinVar:

NM_003106.4(SOX2):c.871A>T (p.Arg291Ter)

Genes: SOX2 (SRY-box transcription factor 2; plus strand), SOX2-OT (SOX2 overlapping transcript; plus strand). Cytogenetic location: 3q26.33.
Variant type: single nucleotide variant.
Coding change: c.871A>T on transcript NM_003106.4 (MANE Select); coding-DNA position 871, A replaced by T.
Protein change: p.Arg291Ter; replaces arginine 291 with a stop codon.
Molecular consequence: nonsense.
Genome position (GRCh38, 1-based): chr3:181,713,231, A>T. VCF-style: chr3-181713231-A-T. GRCh37 (hg19) VCF-style: chr3-181431019-A-T.
Other names: short protein forms R291*.
Identifiers: ClinVar variation 3340875 (VCV003340875.1).

ClinVar aggregate classification (germline): Likely pathogenic (1 of 4 stars; one submission).

Submission:

GeneDx
Classification: Likely pathogenic. Last evaluated: 2024-01-31. Review status: criteria provided, single submitter. Criteria: GeneDx Variant Classification Process June 2021. Collection method: clinical testing. Allele origin: germline. Affected: yes.
Comment: Nonsense variant predicted to result in protein truncation, as the last 27 amino acids are lost, and other loss-of-function variants have been reported downstream in [HGMD/ the published literature (ref)]; Not observed at significant frequency in large population cohorts (gnomAD); Has not been previously published as pathogenic or benign to our knowledge